The following is an entry in ClinVar:

NM_018136.5(ASPM):c.4849C>T (p.Arg1617Ter)

Gene: ASPM (assembly factor for spindle microtubules; minus strand). Cytogenetic location: 1q31.3.
Variant type: single nucleotide variant.
Coding change: c.4849C>T on transcript NM_018136.5 (MANE Select); coding-DNA position 4849, C replaced by T.
Protein change: p.Arg1617Ter; replaces arginine 1617 with a stop codon.
Molecular consequence: nonsense. On other transcripts: intron variant (1).
Genome position (GRCh38, 1-based): chr1:197,104,402, G>A on the plus strand (C>T on the coding strand, the complement: ASPM is on the minus strand). VCF-style: chr1-197104402-G-A. GRCh37 (hg19) VCF-style: chr1-197073532-G-A.
Other names: c.4066-8238C>T (NM_001206846.2); short protein forms R1617*.
Identifiers: ClinVar variation 631585 (VCV000631585.34), dbSNP rs772050241, ClinGen allele CA1309855.
Genomic context (GRCh38, chr1:197,104,402, plus strand): 5'-TGACAGCAGAGCGTGTTTTCTGGTAAGATGCTAGAACTTTCATGGCAAAAATATAAGCTC[G>A]GAAATGAGTCTGAATTATAACAGCTGCTTTCTTCATCTTCTTATATTTCTGTCGTTGTTG-3'

ClinVar aggregate classification (germline): Pathogenic. Review status: criteria provided, multiple submitters, no conflicts (2 of 4 stars). 6 submissions from 6 submitters: Pathogenic (6). Last evaluated 2025-07-22.

Conditions:
Autosomal recessive primary microcephaly. Identifiers: Orphanet 2512, MedGen C3711387, MONDO:0016660.
Microcephaly 5, primary, autosomal recessive (MCPH5). Also called: ASPM Primary Microcephaly. Identifiers: Orphanet 2512, MedGen C1837501, MONDO:0012106, OMIM 608716.

Allele frequency attached by ClinVar (database versions not stated): gnomAD 0.00001 and 0.00002; gnomAD exomes 0.00001 and 0.00002; ExAC 0.00002; TOPMed 0.00004.
gnomAD v4.1: 22 of 1,612,814 alleles (0.0014%); highest among the groups gnomAD compares: East Asian, 0.0022%; no homozygotes.

Submissions (6):

Labcorp Genetics (formerly Invitae), Labcorp
Classification: Pathogenic. Last evaluated: 2025-07-22. Review status: criteria provided, single submitter. Criteria: Invitae Variant Classification Sherloc (09022015). Collection method: clinical testing. Allele origin: germline.
Comment: This sequence change creates a premature translational stop signal (p.Arg1617*) in the ASPM gene. It is expected to result in an absent or disrupted protein product. Loss-of-function variants in ASPM are known to be pathogenic (PMID: 19028728, 23611254). This variant is present in population databases (rs772050241, gnomAD 0.01%). This premature translational stop signal has been observed in individual(s) with clinical features of ASPM-related conditions (PMID: 22989186). ClinVar contains an entry for this variant (Variation ID: 631585). For these reasons, this variant has been classified as Pathogenic.

Institute of Human Genetics, University of Leipzig Medical Center
Classification: Pathogenic for Microcephaly 5, primary, autosomal recessive. Last evaluated: 2025-03-04. Review status: criteria provided, single submitter. Criteria: ACMG Guidelines, 2015. Collection method: clinical testing. Allele origin: unknown. Inheritance: Autosomal recessive inheritance. Affected: yes.
Comment: Criteria applied: PVS1,PM2,PM3_SUP

CeGaT Center for Human Genetics Tuebingen
Classification: Pathogenic. Last evaluated: 2024-07-01. Review status: criteria provided, single submitter. Criteria: CeGaT Center For Human Genetics Tuebingen Variant Classification Criteria Version 2. Collection method: clinical testing. Allele origin: germline. Affected: yes. Observed: 1 variant allele.
Comment: ASPM: PVS1, PM2, PM3:Supporting

Women's Health and Genetics/Laboratory Corporation of America, LabCorp
Classification: Pathogenic for Autosomal recessive primary microcephaly. Last evaluated: 2024-02-02. Review status: criteria provided, single submitter. Criteria: LabCorp Variant Classification Summary - May 2015. Collection method: clinical testing. Allele origin: germline.
Comment: Variant summary: ASPM c.4849C>T (p.Arg1617X) results in a premature termination codon, predicted to cause absence of the protein due to nonsense mediated decay, which is a commonly known mechanism for disease. The variant allele was found at a frequency of 2e-05 in 249720 control chromosomes (gnomAD). c.4849C>T has been reported in the literature in three related homozygous individuals affected with Primary microcephaly (Papari_2013). These data indicate that the variant is very likely to be associated with disease. The following publication has been ascertained in the context of this evaluation (PMID: 22989186). ClinVar contains an entry for this variant (Variation ID: 631585). Based on the evidence outlined above, the variant was classified as pathogenic.

GeneDx
Classification: Pathogenic. Last evaluated: 2023-03-01. Review status: criteria provided, single submitter. Criteria: GeneDx Variant Classification Process June 2021. Collection method: clinical testing. Allele origin: germline. Affected: yes.
Comment: Nonsense variant predicted to result in protein truncation or nonsense mediated decay in a gene for which loss-of-function is a known mechanism of disease; Not observed at significant frequency in large population cohorts (gnomAD); This variant is associated with the following publications: (PMID: 22989186)

Broad Center for Mendelian Genomics, Broad Institute of MIT and Harvard
Classification: Pathogenic for Microcephaly 5, primary, autosomal recessive. Last evaluated: 2018-11-15. Review status: criteria provided, single submitter. Criteria: ACMG Guidelines, 2015. Collection method: research. Allele origin: germline. Inheritance: Autosomal recessive inheritance. Affected: yes.
Comment: This variant has been identified in <0.01% (2/15276) of African chromosomes by the Genome Aggregation Database (gnomAD; dbSNP rs772050241). Although this variant has been seen in the general population, its frequency is low enough to be consistent with a recessive carrier frequency. Loss of function of the ASPM gene is an established disease mechanism in autosomal recessive Primary Microcephaly, and this is a loss of function variant. In summary, this variant is pathogenic.

Literature cited by the submitters: PubMed 19028728 (cited by Labcorp Genetics (formerly Invitae), Labcorp); PubMed 23611254 (cited by Labcorp Genetics (formerly Invitae), Labcorp); PubMed 22989186 (cited by Labcorp Genetics (formerly Invitae), Labcorp and Women's Health and Genetics/Laboratory Corporation of America, LabCorp).